The following is an entry in ClinVar:

NM_001379110.1(SLC9A6):c.455T>G (p.Phe152Cys)

Gene: SLC9A6 (solute carrier family 9 member A6; plus strand). Cytogenetic location: Xq26.3.
Variant type: single nucleotide variant.
Coding change: c.455T>G on transcript NM_001379110.1 (MANE Select); coding-DNA position 455, T replaced by G.
Protein change: p.Phe152Cys; replaces phenylalanine 152 with cysteine.
Molecular consequence: missense variant.
Genome position (GRCh38, 1-based): chrX:135,998,489, T>G. VCF-style: chrX-135998489-T-G. GRCh37 (hg19) VCF-style: chrX-135080648-T-G.
Other names: c.611T>G, p.Phe204Cys (NM_001042537.2, NM_001438742.1); c.455T>G, p.Phe152Cys (NM_001177651.2, NM_001400909.1, NM_001400910.1 and 2 more transcripts); c.359T>G, p.Phe120Cys (NM_001330652.2, NM_001400913.1); c.515T>G, p.Phe172Cys (NM_006359.3); short protein forms F120C, F152C, F172C, F204C.
Identifiers: ClinVar variation 4292167 (VCV004292167.1).

ClinVar aggregate classification (germline): Uncertain significance (1 of 4 stars; one submission).

Conditions:
Christianson syndrome (MRXSCH). Also called: SLC9A6-Related Syndromic Mental Retardation; INTELLECTUAL DEVELOPMENTAL DISORDER, X-LINKED, SYNDROMIC, CHRISTIANSON TYPE; X-linked mental retardation, syndromic, Christianson type. Identifiers: Orphanet 85278, MedGen C2678194, MONDO:0010278, OMIM 300243.

Submission:

3billion
Classification: Uncertain significance for Christianson syndrome. Last evaluated: 2024-11-16. Review status: criteria provided, single submitter. Criteria: ACMG Guidelines, 2015. Collection method: clinical testing. Allele origin: germline. Affected: yes.
Comment: The variant is not observed in the gnomAD v4.1.0 dataset. Predicted Consequence/Location: Missense variant In silico tool predictions suggest damaging effect of the variant on gene or gene product [REVEL: 0.73 (>=0.6, sensitivity 0.68 and specificity 0.92); 3Cnet: 0.37 (>=0.6, sensitivity 0.72 and precision 0.9)]. Different missense changes at the same codon have been reported as of uncertain significance (ClinVar ID: VCV000197277). Therefore, this variant is classified as VUS according to the recommendation of ACMG/AMP guideline.